The following is an entry in ClinVar:

NM_015151.4(DIP2A):c.17G>A (p.Cys6Tyr)

Gene: DIP2A (DIP2 acetate--CoA ligase A; plus strand). Cytogenetic location: 21q22.3.
Variant type: single nucleotide variant.
Coding change: c.17G>A on transcript NM_015151.4 (MANE Select); coding-DNA position 17, G replaced by A.
Protein change: p.Cys6Tyr; replaces cysteine 6 with tyrosine.
Molecular consequence: missense variant.
Genome position (GRCh38, 1-based): chr21:46,459,148, G>A. VCF-style: chr21-46459148-G-A. GRCh37 (hg19) VCF-style: chr21-47879061-G-A.
Other names: c.17G>A, p.Cys6Tyr (NM_001146115.2, NM_001146116.2, NM_001353942.2 and 6 more transcripts); short protein forms C6Y.
Identifiers: ClinVar variation 5001486 (VCV005001486.1).

ClinVar aggregate classification (germline): Uncertain significance (1 of 4 stars; one submission).

Conditions:
DIP2A-related disorder. Also called: DIP2A-related condition.

Submission:

PreventionGenetics, part of Exact Sciences
Classification: Uncertain significance for DIP2A-related condition. Last evaluated: 2025-03-12. Review status: criteria provided, single submitter. Criteria: ACMG Guidelines, 2015. Collection method: clinical testing. Allele origin: germline.
Comment: The DIP2A c.17G>A variant is predicted to result in the amino acid substitution p.Cys6Tyr. To our knowledge, this variant has not been reported in the literature or in a large population database (gnomAD), indicating this variant is rare. At this time, the clinical significance of this variant is uncertain due to the absence of conclusive functional and genetic evidence.